The following is an entry in ClinVar:

ClinVar aggregate classification (germline): Uncertain significance (1 of 4 stars; one submission).

Conditions:
Singleton-Merten syndrome 1 (SGMRT1). Also called: Widened medullary cavities of bone, aortic calcification, abnormal dentition, and muscular weakness; Syndrome of widened medullary cavities of the metacarpals and phalanges, aortic calcification and abnormal dentition. Identifiers: Orphanet 85191, MedGen C4225427, MONDO:0024535, OMIM 182250.
Aicardi-Goutieres syndrome 7 (AGS7). Identifiers: Orphanet 51, MedGen C3888244, MONDO:0014367, OMIM 615846.

Submission:

Labcorp Genetics (formerly Invitae), Labcorp
Classification: Uncertain significance for Aicardi-Goutieres syndrome 7; Singleton-Merten syndrome 1. Last evaluated: 2022-02-03. Review status: criteria provided, single submitter. Criteria: Invitae Variant Classification Sherloc (09022015). Collection method: clinical testing. Allele origin: germline.
Comment: In summary, the available evidence is currently insufficient to determine the role of this variant in disease. Therefore, it has been classified as a Variant of Uncertain Significance. Algorithms developed to predict the effect of missense changes on protein structure and function are either unavailable or do not agree on the potential impact of this missense change (SIFT: "Deleterious"; PolyPhen-2: "Probably Damaging"; Align-GVGD: "Class C0"). This missense change has been observed in at least one individual who was not affected with IFIH1-related conditions (Invitae). This variant has not been reported in the literature in individuals affected with IFIH1-related conditions. This variant is not present in population databases (gnomAD no frequency). This sequence change replaces serine, which is neutral and polar, with phenylalanine, which is neutral and non-polar, at codon 301 of the IFIH1 protein (p.Ser301Phe).

NM_022168.4(IFIH1):c.902C>T (p.Ser301Phe)

Gene: IFIH1 (interferon induced with helicase C domain 1; minus strand). Cytogenetic location: 2q24.2.
Variant type: single nucleotide variant.
Coding change: c.902C>T on transcript NM_022168.4 (MANE Select); coding-DNA position 902, C replaced by T.
Protein change: p.Ser301Phe; replaces serine 301 with phenylalanine.
Molecular consequence: missense variant.
Genome position (GRCh38, 1-based): chr2:162,288,328, G>A on the plus strand (C>T on the coding strand, the complement: IFIH1 is on the minus strand). VCF-style: chr2-162288328-G-A. GRCh37 (hg19) VCF-style: chr2-163144838-G-A.
Other names: short protein forms S301F.
Identifiers: ClinVar variation 1518712 (VCV001518712.6), dbSNP rs764283944, ClinGen allele CA349004944.